The following is an entry in ClinVar:

ClinVar aggregate classification (germline): Uncertain significance (1 of 4 stars; one submission).

Conditions:
Hereditary cancer-predisposing syndrome. Also called: Neoplastic Syndromes, Hereditary; Tumor predisposition; Hereditary Cancer Syndrome; Hereditary neoplastic syndrome. Identifiers: Orphanet 140162, MedGen C0027672, MeSH D009386, MONDO:0015356.

Submission:

Ambry Genetics
Classification: Uncertain significance for Hereditary cancer-predisposing syndrome. Last evaluated: 2019-07-26. Review status: criteria provided, single submitter. Criteria: Ambry Variant Classification Scheme 2023. Collection method: clinical testing. Allele origin: germline.
Comment: The p.E746G variant (also known as c.2237A>G), located in coding exon 22 of the RB1 gene, results from an A to G substitution at nucleotide position 2237. The glutamic acid at codon 746 is replaced by glycine, an amino acid with similar properties. In one study, this alteration was detected in 1/118 control individuals from a wide range of ethnicities and was not detected in 19 Asian Indian retinoblastoma patients (Sivakumaran TA et al. Hum. Mutat., 2005 Apr;25:396-409). Another study found that this alteration reduced the binding efficiency of the RB1 protein compared to wildtype and predicted this alteration to be deleterious (Rajasekaran R et al. Sci China Life Sci, 2010 Feb;53:234-40). This amino acid position is well conserved in available vertebrate species. In addition, the in silico prediction for this alteration is inconclusive. Since supporting evidence is limited at this time, the clinical significance of this alteration remains unclear.

Literature cited by the submitters: PubMed 15776430; PubMed 20596833.

NM_000321.3(RB1):c.2237A>G (p.Glu746Gly)

Gene: RB1 (RB transcriptional corepressor 1; plus strand). Cytogenetic location: 13q14.2.
Variant type: single nucleotide variant.
Coding change: c.2237A>G on transcript NM_000321.3 (MANE Select); coding-DNA position 2237, A replaced by G.
Protein change: p.Glu746Gly; replaces glutamic acid 746 with glycine.
Molecular consequence: missense variant.
Genome position (GRCh38, 1-based): chr13:48,465,023, A>G. VCF-style: chr13-48465023-A-G. GRCh37 (hg19) VCF-style: chr13-49039159-A-G.
Other names: c.2237A>G, p.Glu746Gly (NM_001407165.1); short protein forms E746G.
Identifiers: ClinVar variation 1788207 (VCV001788207.2), dbSNP rs3092905, ClinGen allele CA249310355.